The following is an entry in ClinVar:

NM_001165963.4(SCN1A):c.4002+1979G>A

Genes: SCN1A (sodium voltage-gated channel alpha subunit 1; minus strand), LOC102724058 (uncharacterized LOC102724058; plus strand). Cytogenetic location: 2q24.3.
Variant type: single nucleotide variant.
Coding change: c.4002+1979G>A on transcript NM_001165963.4 (MANE Select); 1979 bases into the intron after coding-DNA position 4002, G replaced by A.
Molecular consequence: intron variant.
Genome position (GRCh38, 1-based): chr2:166,007,740, C>T on the plus strand (G>A on the coding strand, the complement: SCN1A is on the minus strand). VCF-style: chr2-166007740-C-T. GRCh37 (hg19) VCF-style: chr2-166864250-C-T.
Other names: c.3969+1979G>A (NM_001353949.2, NM_001353950.2, NM_001353951.2 and 2 more transcripts); c.3918+1979G>A (NM_001353958.2, NM_001353957.2, NM_001165964.3); c.4002+1979G>A (NM_001202435.3, NM_001353948.2); c.3966+1979G>A (NM_001353955.2, NM_001353954.2); c.3915+1979G>A (NM_001353960.2); c.1560+1979G>A (NM_001353961.2).
Identifiers: ClinVar variation 2956567 (VCV002956567.3), dbSNP rs956787480, ClinGen allele CA59771758.

ClinVar aggregate classification (germline): Uncertain significance (1 of 4 stars; one submission).

Conditions:
Early-infantile DEE. Also called: Early infantile epileptic encephalopathy with suppression bursts; Early infantile epileptic encephalopathy; Ohtahara syndrome. Identifiers: Orphanet 1934, MedGen C0393706, MONDO:0800491.

Allele frequency attached by ClinVar (database versions not stated): gnomAD 0.00001.
gnomAD v4.1: 2 of 151,222 alleles (0.0013%); highest among the groups gnomAD compares: South Asian, 0.041%; no homozygotes.

Submission:

Labcorp Genetics (formerly Invitae), Labcorp
Classification: Uncertain significance for Early-infantile DEE. Last evaluated: 2025-02-04. Review status: criteria provided, single submitter. Criteria: Invitae Variant Classification Sherloc (09022015). Collection method: clinical testing. Allele origin: germline.
Comment: This sequence change falls in intron 20 of the SCN1A gene. It does not directly change the encoded amino acid sequence of the SCN1A protein. However, this sequence change falls within a region encompassing a cryptic exon in the SCN1A gene, in which variants have been shown to alter splicing (PMID: 30526861, 34107977). This variant is not present in population databases (gnomAD no frequency). This variant has been observed in individual(s) with clinical features of developmental and epileptic encephalopathy (internal data). ClinVar contains an entry for this variant (Variation ID: 2956567). Algorithms developed to predict the effect of sequence changes on RNA splicing suggest that this variant is not likely to affect RNA splicing. In summary, the available evidence is currently insufficient to determine the role of this variant in disease. Therefore, it has been classified as a Variant of Uncertain Significance.

Literature cited by the submitters: PubMed 30526861; PubMed 34107977.